The following is an entry in ClinVar:

NM_005529.7(HSPG2):c.996C>T (p.Cys332=)

Gene: HSPG2 (heparan sulfate proteoglycan 2; minus strand). Cytogenetic location: 1p36.12.
Variant type: single nucleotide variant.
Coding change: c.996C>T on transcript NM_005529.7 (MANE Select); coding-DNA position 996, C replaced by T.
Protein change: p.Cys332=; no amino-acid change (cysteine 332 retained).
Molecular consequence: synonymous variant.
Genome position (GRCh38, 1-based): chr1:21,887,297, G>A on the plus strand (C>T on the coding strand, the complement: HSPG2 is on the minus strand). VCF-style: chr1-21887297-G-A. GRCh37 (hg19) VCF-style: chr1-22213790-G-A.
Other names: c.996C>T, p.Cys332= (NM_001291860.2); c.996C>T (NM_005529.6).
Identifiers: ClinVar variation 1592703 (VCV001592703.11), dbSNP rs370399242, ClinGen allele CA673617.
Genomic context (GRCh38, chr1:21,887,297, plus strand): 5'-GTCCTCACAGTCAAAGTCACCATCGCAGCGCCACAGCTTGAGGGCACAATGTCCATTCCC[G>A]CAGGGGAACTCGTTGGGCTCACAGGGTGGCGGGGGGCCTAGGAGACCGGGCAGGGGTCAG-3'
Protein context (NP_005520.4, residues 322-342): PPPCEPNEFP[Cys332=]GNGHCALKLW

ClinVar aggregate classification (germline): Likely benign. Review status: criteria provided, multiple submitters, no conflicts (2 of 4 stars). 4 submissions from 4 submitters: Likely benign (3). 1 of the submissions does not count toward it. Last evaluated 2025-04-10.

Conditions:
HSPG2-related disorder. Also called: HSPG2-related disorders; HSPG2-related condition.

Allele frequency attached by ClinVar (database versions not stated): gnomAD exomes 0.00005 and 0.00012; ESP Exome Variant Server 0.00015; 1000 Genomes Project 30x 0.00016; ExAC 0.00016; gnomAD 0.00018 and 0.00019; 1000 Genomes Project 0.00020; TOPMed 0.00026.
gnomAD v4.1: 100 of 1,614,076 alleles (0.0062%); highest among the groups gnomAD compares: African/African-American, 0.061%; no homozygotes.

Submissions (4):

ARUP Laboratories, Molecular Genetics and Genomics, ARUP Laboratories
Classification: Likely benign. Last evaluated: 2025-04-10. Review status: criteria provided, single submitter. Criteria: ARUP Molecular Germline Variant Investigation Process 2024. Collection method: clinical testing. Allele origin: germline.

Labcorp Genetics (formerly Invitae), Labcorp
Classification: Likely benign. Last evaluated: 2025-01-21. Review status: criteria provided, single submitter. Criteria: Invitae Variant Classification Sherloc (09022015). Collection method: clinical testing. Allele origin: germline.

Blueprint Genetics
Classification: Likely benign. Last evaluated: 2021-06-03. Review status: criteria provided, single submitter. Criteria: ACMG Guidelines, 2015. Collection method: clinical testing. Allele origin: germline.

PreventionGenetics, part of Exact Sciences
Classification: Likely benign for HSPG2-related condition. Last evaluated: 2024-05-21. Review status: no assertion criteria provided. Collection method: clinical testing. Allele origin: germline. Not counted in ClinVar's aggregate classification.
Comment: This variant is classified as likely benign based on ACMG/AMP sequence variant interpretation guidelines (Richards et al. 2015 PMID: 25741868, with internal and published modifications).